The following is an entry in ClinVar:

ClinVar aggregate classification (germline): Uncertain significance (1 of 4 stars; one submission).

Submission:

GeneDx
Classification: Uncertain significance. Last evaluated: 2026-02-16. Review status: criteria provided, single submitter. Criteria: GeneDx Variant Classification Process June 2021. Collection method: clinical testing. Allele origin: germline.
Comment: Not observed at significant frequency in large population cohorts (gnomAD); In silico analysis supports that this missense variant has a deleterious effect on protein structure/function; Has not been previously published as pathogenic or benign to our knowledge

NM_001190274.2(FBXO11):c.2399G>T (p.Arg800Leu)

Genes: FBXO11 (F-box protein 11; minus strand), MSH6 (mutS homolog 6; plus strand). Cytogenetic location: 2p16.3.
Variant type: single nucleotide variant.
Coding change: c.2399G>T on transcript NM_001190274.2 (MANE Select); coding-DNA position 2399, G replaced by T.
Protein change: p.Arg800Leu; replaces arginine 800 with leucine.
Molecular consequence: missense variant. On other transcripts: intron variant (6).
Genome position (GRCh38, 1-based): chr2:47,809,647, C>A on the plus strand (G>T on the coding strand, the complement: FBXO11 is on the minus strand). VCF-style: chr2-47809647-C-A. GRCh37 (hg19) VCF-style: chr2-48036786-C-A.
Other names: c.2147G>T, p.Arg716Leu (NM_001374325.1, NM_025133.4); c.*44-352C>A (NM_001406809.1); c.*41-352C>A (NM_001406796.1, NM_001406811.1, NM_001406805.1 and 2 more transcripts); short protein forms R716L, R800L.
Identifiers: ClinVar variation 5009540 (VCV005009540.1).